The following is an entry in ClinVar:

ClinVar aggregate classification (germline): Benign (0 of 4 stars; one submission).

Conditions:
DISC1-related disorder. Also called: DISC1-related condition.

Allele frequency attached by ClinVar (database versions not stated): ESP Exome Variant Server 0.03560; gnomAD exomes 0.04418; gnomAD 0.05066; TOPMed 0.06200; ExAC 0.07032; 1000 Genomes Project 30x 0.09713; 1000 Genomes Project 0.09904.
gnomAD v4.1: 72,716 of 1,614,068 alleles (4.5%); highest among the groups gnomAD compares: East Asian, 22%; 3,385 homozygotes.

Submission:

PreventionGenetics, part of Exact Sciences
Classification: Benign for DISC1-related condition. Last evaluated: 2019-04-10. Review status: no assertion criteria provided. Collection method: clinical testing. Allele origin: germline.
Comment: This variant is classified as benign based on ACMG/AMP sequence variant interpretation guidelines (Richards et al. 2015 PMID: 25741868, with internal and published modifications).

NM_018662.3(DISC1):c.1393C>T (p.Leu465=)

Genes: DISC1 (DISC1 scaffold protein; plus strand), TSNAX-DISC1 (TSNAX-DISC1 readthrough (NMD candidate); plus strand). Cytogenetic location: 1q42.2.
Variant type: single nucleotide variant.
Coding change: c.1393C>T on transcript NM_018662.3 (MANE Select); coding-DNA position 1393, C replaced by T.
Protein change: p.Leu465=; no amino-acid change (leucine 465 retained).
Molecular consequence: synonymous variant. On other transcripts: non-coding transcript variant (6), intron variant (1).
Genome position (GRCh38, 1-based): chr1:231,767,264, C>T. VCF-style: chr1-231767264-C-T. GRCh37 (hg19) VCF-style: chr1-231903010-C-T.
Other names: c.1393C>T, p.Leu465= (NM_001012957.2, NM_001012959.2, NM_001164538.2 and 9 more transcripts); c.1489C>T, p.Leu497= (NM_001164537.2); c.343C>T, p.Leu115= (NM_001164556.2); c.1268+17188C>T (NM_001164540.2).
Identifiers: ClinVar variation 3059485 (VCV003059485.2), dbSNP rs3738402, ClinGen allele CA1453894.